The following is an entry in ClinVar:

NM_004656.4(BAP1):c.162A>G (p.Glu54=)

Gene: BAP1 (BRCA1 associated deubiquitinase 1; minus strand). Cytogenetic location: 3p21.1.
Variant type: single nucleotide variant.
Coding change: c.162A>G on transcript NM_004656.4 (MANE Select); coding-DNA position 162, A replaced by G.
Protein change: p.Glu54=; no amino-acid change (glutamic acid 54 retained).
Molecular consequence: synonymous variant.
Genome position (GRCh38, 1-based): chr3:52,408,567, T>C on the plus strand (A>G on the coding strand, the complement: BAP1 is on the minus strand). VCF-style: chr3-52408567-T-C. GRCh37 (hg19) VCF-style: chr3-52442583-T-C.
Identifiers: ClinVar variation 472674 (VCV000472674.8), dbSNP rs1553646029, ClinGen allele CA433778222.

ClinVar aggregate classification (germline): Conflicting classifications of pathogenicity. Review status: criteria provided, conflicting classifications (1 of 4 stars). 2 submissions from 2 submitters: Uncertain significance (1); Likely benign (1). Last evaluated 2024-07-10.

Conditions:
BAP1-related tumor predisposition syndrome (TPDS1). Also called: Tumor susceptibility linked to germline BAP1 mutations; TUMOR PREDISPOSITION SYNDROME 1; COMMON Syndrome; BAP1 tumor predisposition syndrome. Identifiers: Orphanet 289539, MedGen C3280492, MONDO:0013692, OMIM 614327.

Submissions (2):

Labcorp Genetics (formerly Invitae), Labcorp
Classification: Likely benign for BAP1-related tumor predisposition syndrome. Last evaluated: 2024-07-10. Review status: criteria provided, single submitter. Criteria: Invitae Variant Classification Sherloc (09022015). Collection method: clinical testing. Allele origin: germline.

Quest Diagnostics Nichols Institute San Juan Capistrano
Classification: Uncertain significance. Last evaluated: 2023-08-04. Review status: criteria provided, single submitter. Criteria: Quest Diagnostics criteria. Collection method: clinical testing. Allele origin: unknown.
Comment: To the best of our knowledge, this variant has not been reported in the published literature. It also has not been reported in large, multi-ethnic general populations (Genome Aggregation Database). Analysis of this variant using software algorithms for the prediction of the effect of nucleotide changes on splicing yielded predictions that this variant does not affect BAP1 mRNA splicing . Based on the available information, we are unable to determine the clinical significance of this variant.